The following is an entry in ClinVar:

NM_144997.7(FLCN):c.425T>A (p.Phe142Tyr)

Gene: FLCN (folliculin; minus strand). Cytogenetic location: 17p11.2.
Variant type: single nucleotide variant.
Coding change: c.425T>A on transcript NM_144997.7 (MANE Select); coding-DNA position 425, T replaced by A.
Protein change: p.Phe142Tyr; replaces phenylalanine 142 with tyrosine.
Molecular consequence: missense variant.
Genome position (GRCh38, 1-based): chr17:17,224,115, A>T on the plus strand (T>A on the coding strand, the complement: FLCN is on the minus strand). VCF-style: chr17-17224115-A-T. GRCh37 (hg19) VCF-style: chr17-17127429-A-T.
Other names: c.479T>A, p.Phe160Tyr (NM_001353229.2); c.425T>A, p.Phe142Tyr (NM_001353230.2, NM_001353231.2, NM_144606.7); short protein forms F142Y, F160Y.
Identifiers: ClinVar variation 2969388 (VCV002969388.3), dbSNP rs2544257812, ClinGen allele CA398534596.

ClinVar aggregate classification (germline): Uncertain significance (1 of 4 stars; one submission).

Conditions:
Birt-Hogg-Dube syndrome. Also called: Birt Hogg Dubé syndrome. Identifiers: Orphanet 122, MedGen C0346010, MONDO:0800444.

Submission:

Labcorp Genetics (formerly Invitae), Labcorp
Classification: Uncertain significance for Birt-Hogg-Dube syndrome. Last evaluated: 2023-11-28. Review status: criteria provided, single submitter. Criteria: Invitae Variant Classification Sherloc (09022015). Collection method: clinical testing. Allele origin: germline.
Comment: This sequence change replaces phenylalanine, which is neutral and non-polar, with tyrosine, which is neutral and polar, at codon 142 of the FLCN protein (p.Phe142Tyr). This variant is not present in population databases (gnomAD no frequency). This variant has not been reported in the literature in individuals affected with FLCN-related conditions. Advanced modeling of protein sequence and biophysical properties (such as structural, functional, and spatial information, amino acid conservation, physicochemical variation, residue mobility, and thermodynamic stability) performed at Invitae indicates that this missense variant is not expected to disrupt FLCN protein function with a negative predictive value of 80%. In summary, the available evidence is currently insufficient to determine the role of this variant in disease. Therefore, it has been classified as a Variant of Uncertain Significance.